The following is an entry in ClinVar:

ClinVar aggregate classification (germline): Uncertain significance (1 of 4 stars; one submission).

Submissions (2):

GeneDx
Classification: Uncertain significance. Last evaluated: 2023-07-18. Review status: criteria provided, single submitter. Criteria: GeneDx Variant Classification Process June 2021. Collection method: clinical testing. Allele origin: germline. Affected: yes.
Comment: Published functional studies demonstrate no damaging effect: variant classified as functional based on a saturation genome editing (SGE) assay measuring cell survival (Findlay et al., 2018); In silico analysis supports that this missense variant has a deleterious effect on protein structure/function; Not observed at significant frequency in large population cohorts (gnomAD); Also known as 5098A>C; This variant is associated with the following publications: (PMID: 30209399, 25348405, 10220405, 9974970, 11301010)

Brotman Baty Institute, University of Washington
No classification provided (evidence only). Condition: Breast-ovarian cancer, familial 1. Review status: no classification provided. Collection method: in vitro. Allele origin: not applicable. Functional consequence: functionally_normal. Not counted in ClinVar's aggregate classification.
ClinVar note: "not provided" was previously submitted as the classification for the variant. However, the classification appeared to be based only on an observation of functional data so it was converted to no classification on 2025-07-30.

NM_007294.4(BRCA1):c.4979A>C (p.Glu1660Ala)

Gene: BRCA1 (BRCA1 DNA repair associated; minus strand). Cytogenetic location: 17q21.31.
Variant type: single nucleotide variant.
Coding change: c.4979A>C on transcript NM_007294.4 (MANE Select); coding-DNA position 4979, A replaced by C.
Protein change: p.Glu1660Ala; replaces glutamic acid 1660 with alanine.
Molecular consequence: missense variant. On other transcripts: non-coding transcript variant (1).
Genome position (GRCh38, 1-based): chr17:43,070,935, T>G on the plus strand (A>C on the coding strand, the complement: BRCA1 is on the minus strand). VCF-style: chr17-43070935-T-G. GRCh37 (hg19) VCF-style: chr17-41222952-T-G.
Other names: c.4766A>C, p.Glu1589Ala (NM_001407571.1, NM_001407894.1, NM_001407895.1 and 12 more transcripts); c.5045A>C, p.Glu1682Ala (NM_001407581.1, NM_001407582.1); c.5042A>C, p.Glu1681Ala (NM_001407583.1, NM_001407585.1, NM_001407587.1 and 1 more transcripts); c.5039A>C, p.Glu1680Ala (NM_001407590.1, NM_001407591.1); c.4979A>C, p.Glu1660Ala (NM_001407593.1, NM_001407594.1, NM_001407596.1 and 8 more transcripts); c.4976A>C, p.Glu1659Ala (NM_001407618.1, NM_001407619.1, NM_001407620.1 and 17 more transcripts); c.4973A>C, p.Glu1658Ala (NM_001407637.1, NM_001407638.1, NM_001407639.1 and 14 more transcripts); c.4970A>C, p.Glu1657Ala (NM_001407644.1, NM_001407645.1); and 70 more; short protein forms E1660A, E1681A, E1613A, E556A, E1531A, E1533A, E1571A, E1588A.
Identifiers: ClinVar variation 868470 (VCV000868470.4), dbSNP rs2052356167, ClinGen allele CA10591569.